The following is an entry in ClinVar:

ClinVar aggregate classification (germline): Uncertain significance. Review status: criteria provided, multiple submitters, no conflicts (2 of 4 stars). 4 submissions from 4 submitters: Uncertain significance (4). Last evaluated 2024-09-10.

Conditions:
Inborn genetic diseases. Identifiers: MedGen C0950123, MeSH D030342.
Renal tubular acidosis, distal, 3, with or without sensorineural hearing loss (DRTA3). Identifiers: MedGen C5399980, MONDO:0011268, OMIM 602722.

Allele frequency attached by ClinVar (database versions not stated): ExAC 0.00003; gnomAD exomes 0.00006 and 0.00020; ESP Exome Variant Server 0.00008; gnomAD 0.00009.
gnomAD v4.1: 314 of 1,613,948 alleles (0.019%); highest among the groups gnomAD compares: Non-Finnish European, 0.024%; no homozygotes.

Submissions (4):

Blueprint Genetics
Classification: Uncertain significance. Last evaluated: 2024-09-10. Review status: criteria provided, single submitter. Criteria: ACMG Guidelines, 2015. Collection method: clinical testing. Allele origin: germline.

Fulgent Genetics
Classification: Uncertain significance for Renal tubular acidosis, distal, 3, with or without sensorineural hearing loss. Last evaluated: 2024-03-07. Review status: criteria provided, single submitter. Criteria: ACMG Guidelines, 2015. Collection method: clinical testing. Allele origin: germline.

Labcorp Genetics (formerly Invitae), Labcorp
Classification: Uncertain significance. Last evaluated: 2023-09-27. Review status: criteria provided, single submitter. Criteria: Invitae Variant Classification Sherloc (09022015). Collection method: clinical testing. Allele origin: germline.
Comment: In summary, the available evidence is currently insufficient to determine the role of this variant in disease. Therefore, it has been classified as a Variant of Uncertain Significance. Advanced modeling of protein sequence and biophysical properties (such as structural, functional, and spatial information, amino acid conservation, physicochemical variation, residue mobility, and thermodynamic stability) performed at Invitae indicates that this missense variant is not expected to disrupt ATP6V0A4 protein function. ClinVar contains an entry for this variant (Variation ID: 1353908). This variant has not been reported in the literature in individuals affected with ATP6V0A4-related conditions. This variant is present in population databases (rs371213982, gnomAD 0.01%). This sequence change replaces histidine, which is basic and polar, with arginine, which is basic and polar, at codon 710 of the ATP6V0A4 protein (p.His710Arg).

Ambry Genetics
Classification: Uncertain significance for Inborn genetic diseases. Last evaluated: 2023-07-11. Review status: criteria provided, single submitter. Criteria: Ambry Variant Classification Scheme 2023. Collection method: clinical testing. Allele origin: germline.

NM_020632.3(ATP6V0A4):c.2129A>G (p.His710Arg)

Gene: ATP6V0A4 (ATPase H+ transporting V0 subunit a4; minus strand). Cytogenetic location: 7q34.
Variant type: single nucleotide variant.
Coding change: c.2129A>G on transcript NM_020632.3 (MANE Select); coding-DNA position 2129, A replaced by G.
Protein change: p.His710Arg; replaces histidine 710 with arginine.
Molecular consequence: missense variant.
Genome position (GRCh38, 1-based): chr7:138,721,907, T>C on the plus strand (A>G on the coding strand, the complement: ATP6V0A4 is on the minus strand). VCF-style: chr7-138721907-T-C. GRCh37 (hg19) VCF-style: chr7-138406652-T-C.
Other names: c.2129A>G (NM_020632.2); c.2129A>G, p.His710Arg (NM_130840.3, NM_130841.3); short protein forms H710R.
Identifiers: ClinVar variation 1353908 (VCV001353908.11), dbSNP rs371213982, ClinGen allele CA4504531.